The following is an entry in ClinVar:

ClinVar aggregate classification (germline): Uncertain significance. Review status: criteria provided, multiple submitters, no conflicts (2 of 4 stars). 2 submissions from 2 submitters: Uncertain significance (2). Last evaluated 2024-09-02.

Allele frequency attached by ClinVar (database versions not stated): gnomAD 0.00001; ExAC 0.00004.
gnomAD v4.1: 24 of 1,613,940 alleles (0.0015%); highest among the groups gnomAD compares: Non-Finnish European, 0.002%; no homozygotes.

Submissions (2):

Ambry Genetics
Classification: Uncertain significance. Last evaluated: 2024-09-02. Review status: criteria provided, single submitter. Criteria: Ambry Variant Classification Scheme 2023. Collection method: clinical testing. Allele origin: germline.

Labcorp Genetics (formerly Invitae), Labcorp
Classification: Uncertain significance. Last evaluated: 2022-09-21. Review status: criteria provided, single submitter. Criteria: Invitae Variant Classification Sherloc (09022015). Collection method: clinical testing. Allele origin: germline.
Comment: In summary, the available evidence is currently insufficient to determine the role of this variant in disease. Therefore, it has been classified as a Variant of Uncertain Significance. Algorithms developed to predict the effect of missense changes on protein structure and function (SIFT, PolyPhen-2, Align-GVGD) all suggest that this variant is likely to be tolerated. This variant has not been reported in the literature in individuals affected with CXCR2-related conditions. This variant is present in population databases (rs201481173, gnomAD 0.005%). This sequence change replaces isoleucine, which is neutral and non-polar, with valine, which is neutral and non-polar, at codon 331 of the CXCR2 protein (p.Ile331Val).

NM_001557.4(CXCR2):c.991A>G (p.Ile331Val)

Gene: CXCR2 (C-X-C motif chemokine receptor 2; plus strand). Cytogenetic location: 2q35.
Variant type: single nucleotide variant.
Coding change: c.991A>G on transcript NM_001557.4 (MANE Select); coding-DNA position 991, A replaced by G.
Protein change: p.Ile331Val; replaces isoleucine 331 with valine.
Molecular consequence: missense variant.
Genome position (GRCh38, 1-based): chr2:218,135,792, A>G. VCF-style: chr2-218135792-A-G. GRCh37 (hg19) VCF-style: chr2-219000515-A-G.
Other names: c.991A>G, p.Ile331Val (NM_001168298.2); short protein forms I331V.
Identifiers: ClinVar variation 1906689 (VCV001906689.7), dbSNP rs201481173, ClinGen allele CA2101826.